The following is an entry in ClinVar:

NM_025074.7(FRAS1):c.3957A>G (p.Gln1319=)

Gene: FRAS1 (Fraser extracellular matrix complex subunit 1; plus strand). Cytogenetic location: 4q21.21.
Variant type: single nucleotide variant.
Coding change: c.3957A>G on transcript NM_025074.7 (MANE Select); coding-DNA position 3957, A replaced by G.
Protein change: p.Gln1319=; no amino-acid change (glutamine 1319 retained).
Molecular consequence: synonymous variant.
Genome position (GRCh38, 1-based): chr4:78,387,683, A>G. VCF-style: chr4-78387683-A-G. GRCh37 (hg19) VCF-style: chr4-79308837-A-G.
Other names: c.3957A>G (NM_025074.6); c.3957A>G, p.Gln1319= (NM_001166133.2).
Identifiers: ClinVar variation 2441570 (VCV002441570.8), dbSNP rs376270109, ClinGen allele CA2977050.
Genomic context (GRCh38, chr4:78,387,683, plus strand): 5'-ATCCGATGTTGCAGTCTTGCAGGCCAATGATGGACACTCCTTCCATAATATACTGTTCCA[A>G]GTGAAGACCGTGCCTCAGGTAGGTGTCATTCCTAGAGTTACAGTTTCTTTGCACCTAGAT-3'
Protein context (NP_079350.5, residues 1309-1329): DGHSFHNILF[Gln1319=]VKTVPQNDRG

ClinVar aggregate classification (germline): Conflicting classifications of pathogenicity. Review status: criteria provided, conflicting classifications (1 of 4 stars). 3 submissions from 3 submitters: Uncertain significance (1); Likely benign (1). 1 of the submissions does not count toward it. Last evaluated 2026-01-14.

Conditions:
FRAS1-related disorder. Also called: FRAS1-related condition.
Fraser syndrome 1 (FRASRS1). Also called: CRYPTOPHTHALMOS WITH OTHER MALFORMATIONS. Identifiers: Orphanet 2052, MedGen C4551480, MONDO:0054737, OMIM 219000.

Allele frequency attached by ClinVar (database versions not stated): gnomAD exomes 0.00004; ExAC 0.00012; 1000 Genomes Project 30x 0.00031; gnomAD 0.00032; ESP Exome Variant Server 0.00033; 1000 Genomes Project 0.00040; TOPMed 0.00046.
gnomAD v4.1: 106 of 1,528,852 alleles (0.0069%); highest among the groups gnomAD compares: African/African-American, 0.12%; no homozygotes.

Submissions (3):

Labcorp Genetics (formerly Invitae), Labcorp
Classification: Likely benign. Last evaluated: 2026-01-14. Review status: criteria provided, single submitter. Criteria: Invitae Variant Classification Sherloc (09022015). Collection method: clinical testing. Allele origin: germline.

Revvity Omics, Revvity
Classification: Uncertain significance for Fraser syndrome 1. Last evaluated: 2020-01-29. Review status: criteria provided, single submitter. Criteria: ACMG Guidelines, 2015. Collection method: clinical testing. Allele origin: germline.

PreventionGenetics, part of Exact Sciences
Classification: Likely benign for FRAS1-related condition. Last evaluated: 2023-09-19. Review status: no assertion criteria provided. Collection method: clinical testing. Allele origin: germline. Not counted in ClinVar's aggregate classification.
Comment: This variant is classified as likely benign based on ACMG/AMP sequence variant interpretation guidelines (Richards et al. 2015 PMID: 25741868, with internal and published modifications).